The following is an entry in ClinVar:

ClinVar aggregate classification (germline): Uncertain significance. Review status: criteria provided, multiple submitters, no conflicts (2 of 4 stars). 2 submissions from 2 submitters: Uncertain significance (2). Last evaluated 2025-06-11.

Submissions (2):

Women's Health and Genetics/Laboratory Corporation of America, LabCorp
Classification: Uncertain significance. Last evaluated: 2025-06-11. Review status: criteria provided, single submitter. Criteria: LabCorp Variant Classification Summary - May 2015. Collection method: clinical testing. Allele origin: germline.
Comment: Variant summary: ABCC8 c.1513G>C (p.Gly505Arg) results in a non-conservative amino acid change in the encoded protein sequence. Algorithms developed to predict the effect of missense changes on protein structure and function all suggest that this variant is likely to be disruptive. The variant was absent in 250992 control chromosomes. The available data on variant occurrences in the general population are insufficient to allow any conclusion about variant significance. c.1513G>C has been observed as a de novo change in individual(s) affected with Familial Hyperinsulinism (De Franco_2020). These report(s) do not provide unequivocal conclusions about association of the variant with Familial Hyperinsulinism. To our knowledge, no experimental evidence demonstrating an impact on protein function has been reported. The following publication have been ascertained in the context of this evaluation (PMID: 32027066). ClinVar contains an entry for this variant (Variation ID: 2780204). Based on the evidence outlined above, the variant was classified as uncertain significance.

Labcorp Genetics (formerly Invitae), Labcorp
Classification: Uncertain significance. Last evaluated: 2025-06-08. Review status: criteria provided, single submitter. Criteria: Invitae Variant Classification Sherloc (09022015). Collection method: clinical testing. Allele origin: germline.
Comment: This sequence change replaces glycine, which is neutral and non-polar, with arginine, which is basic and polar, at codon 505 of the ABCC8 protein (p.Gly505Arg). This variant is not present in population databases (gnomAD no frequency). This missense change has been observed in individual(s) with hyperinsulinism (PMID: 32027066). ClinVar contains an entry for this variant (Variation ID: 2780204). Invitae Evidence Modeling of protein sequence and biophysical properties (such as structural, functional, and spatial information, amino acid conservation, physicochemical variation, residue mobility, and thermodynamic stability) indicates that this missense variant is expected to disrupt ABCC8 protein function with a positive predictive value of 95%. In summary, the available evidence is currently insufficient to determine the role of this variant in disease. Therefore, it has been classified as a Variant of Uncertain Significance.

Literature cited by the submitters: PubMed 32027066 (cited by Women's Health and Genetics/Laboratory Corporation of America, LabCorp and Labcorp Genetics (formerly Invitae), Labcorp).

NM_000352.6(ABCC8):c.1513G>C (p.Gly505Arg)

Gene: ABCC8 (ATP binding cassette subfamily C member 8; minus strand). Cytogenetic location: 11p15.1.
Variant type: single nucleotide variant.
Coding change: c.1513G>C on transcript NM_000352.6 (MANE Select); coding-DNA position 1513, G replaced by C.
Protein change: p.Gly505Arg; replaces glycine 505 with arginine.
Molecular consequence: missense variant. On other transcripts: non-coding transcript variant (1).
Genome position (GRCh38, 1-based): chr11:17,442,837, C>G on the plus strand (G>C on the coding strand, the complement: ABCC8 is on the minus strand). VCF-style: chr11-17442837-C-G. GRCh37 (hg19) VCF-style: chr11-17464384-C-G.
Other names: c.1513G>C, p.Gly505Arg (NM_001287174.3, NM_001351295.2); c.1510G>C, p.Gly504Arg (NM_001351296.2, NM_001351297.2); short protein forms G505R, G504R.
Identifiers: ClinVar variation 2780204 (VCV002780204.4), dbSNP rs200977997, ClinGen allele CA379766564.